The following is an entry in ClinVar:

NC_000004.11:g.(?_187191159)_(187196946_?)del

Gene: F11 (coagulation factor XI; plus strand). Cytogenetic location: 4q35.2.
Variant type: Deletion.
Identifiers: ClinVar variation 3246702 (VCV003246702.1).

ClinVar aggregate classification (germline): Pathogenic (1 of 4 stars; one submission).

Submission:

Labcorp Genetics (formerly Invitae), Labcorp
Classification: Pathogenic. Last evaluated: 2023-10-09. Review status: criteria provided, single submitter. Criteria: Invitae Variant Classification Sherloc (09022015). Collection method: clinical testing. Allele origin: unknown.
Comment: This variant results in the deletion of exons 3-5 and part of exon 6 (c.56-1604_491del) of the F11 gene. It is expected to disrupt RNA splicing. Variants that disrupt the donor or acceptor splice site typically lead to a loss of protein function (PMID: 16199547), and loss-of-function variants in F11 are known to be pathogenic (PMID: 23929304). This variant has not been reported in the literature in individuals affected with F11-related conditions. This variant disrupts a region of the F11 protein in which other variant(s) (p.Cys56Arg) have been determined to be pathogenic (PMID: 11895778, 16079124, 20398070, 28960694). This suggests that this is a clinically significant region of the protein, and that variants that disrupt it are likely to be disease-causing. For these reasons, this variant has been classified as Pathogenic.

Literature cited by the submitters: PubMed 16199547; PubMed 23929304; PubMed 11895778; PubMed 16079124; PubMed 20398070; PubMed 28960694.